The following is an entry in ClinVar:

NM_019851.3(FGF20):c.542C>T (p.Ser181Phe)

Gene: FGF20 (fibroblast growth factor 20; minus strand). Cytogenetic location: 8p22.
Variant type: single nucleotide variant.
Coding change: c.542C>T on transcript NM_019851.3 (MANE Select); coding-DNA position 542, C replaced by T.
Protein change: p.Ser181Phe; replaces serine 181 with phenylalanine.
Molecular consequence: missense variant.
Genome position (GRCh38, 1-based): chr8:16,993,166, G>A on the plus strand (C>T on the coding strand, the complement: FGF20 is on the minus strand). VCF-style: chr8-16993166-G-A. GRCh37 (hg19) VCF-style: chr8-16850675-G-A.
Other names: short protein forms S181F.
Identifiers: ClinVar variation 3718411 (VCV003718411.2).

ClinVar aggregate classification (germline): Uncertain significance (1 of 4 stars; one submission).

Submission:

Labcorp Genetics (formerly Invitae), Labcorp
Classification: Uncertain significance. Last evaluated: 2024-11-19. Review status: criteria provided, single submitter. Criteria: Invitae Variant Classification Sherloc (09022015). Collection method: clinical testing. Allele origin: germline.
Comment: This sequence change replaces serine, which is neutral and polar, with phenylalanine, which is neutral and non-polar, at codon 181 of the FGF20 protein (p.Ser181Phe). This variant is not present in population databases (gnomAD no frequency). This variant has not been reported in the literature in individuals affected with FGF20-related conditions. An algorithm developed to predict the effect of missense changes on protein structure and function (PolyPhen-2) suggests that this variant is likely to be disruptive. In summary, the available evidence is currently insufficient to determine the role of this variant in disease. Therefore, it has been classified as a Variant of Uncertain Significance.